The following is an entry in ClinVar:

NM_198428.3(BBS9):c.555C>T (p.Ala185=)

Gene: BBS9 (Bardet-Biedl syndrome 9; plus strand). Cytogenetic location: 7p14.3.
Variant type: single nucleotide variant.
Coding change: c.555C>T on transcript NM_198428.3 (MANE Select); coding-DNA position 555, C replaced by T.
Protein change: p.Ala185=; no amino-acid change (alanine 185 retained).
Molecular consequence: synonymous variant. On other transcripts: non-coding transcript variant (3).
Genome position (GRCh38, 1-based): chr7:33,257,348, C>T. VCF-style: chr7-33257348-C-T. GRCh37 (hg19) VCF-style: chr7-33296960-C-T.
Other names: p.Ala185=; c.555C>T, p.Ala185= (NM_001033604.2, NM_001033605.2, NM_001348036.1 and 5 more transcripts); c.189C>T, p.Ala63= (NM_001348037.3, NM_001348044.3, NM_001348045.3 and 1 more transcripts); c.282C>T, p.Ala94= (NM_001348038.3, NM_001348039.3); c.420C>T, p.Ala140= (NM_001348042.3).
Identifiers: ClinVar variation 242249 (VCV000242249.26), dbSNP rs35440033, ClinGen allele CA4214035.

ClinVar aggregate classification (germline): Benign/Likely benign. Review status: criteria provided, multiple submitters, no conflicts (2 of 4 stars). 8 submissions from 8 submitters: Benign (4); Likely benign (2). 2 of the submissions do not count toward it. Last evaluated 2026-01-29.

Conditions:
Bardet-Biedl syndrome (BBS). Identifiers: Orphanet 110, MedGen C0752166, MONDO:0015229.
Bardet-Biedl syndrome 9 (BBS9). Identifiers: Orphanet 110, MedGen C1859567, MONDO:0014437, OMIM 615986.

Allele frequency attached by ClinVar (database versions not stated): 1000 Genomes Project 30x 0.00796; gnomAD 0.00818 and 0.00871; ESP Exome Variant Server 0.00877; 1000 Genomes Project 0.00879; TOPMed 0.00928.
gnomAD v4.1: 2,388 of 1,613,902 alleles (0.15%); highest among the groups gnomAD compares: African/African-American, 2.8%; 34 homozygotes.

Submissions (8):

Labcorp Genetics (formerly Invitae), Labcorp
Classification: Benign for Bardet-Biedl syndrome. Last evaluated: 2026-01-29. Review status: criteria provided, single submitter. Criteria: Invitae Variant Classification Sherloc (09022015). Collection method: clinical testing. Allele origin: germline.

Mayo Clinic Laboratories, Mayo Clinic
Classification: Likely benign. Last evaluated: 2025-09-28. Review status: criteria provided, single submitter. Criteria: ACMG Guidelines, 2015. Collection method: clinical testing. Allele origin: germline. Observed: 1 variant allele.
Comment: BS1, BP4, BP7

Fulgent Genetics
Classification: Likely benign for Bardet-Biedl syndrome 9. Last evaluated: 2021-08-10. Review status: criteria provided, single submitter. Criteria: ACMG Guidelines, 2015. Collection method: clinical testing. Allele origin: unknown.

Genetic Services Laboratory, University of Chicago
Classification: Benign. Last evaluated: 2019-08-26. Review status: criteria provided, single submitter. Criteria: ACMG Guidelines, 2015. Collection method: clinical testing. Allele origin: germline. Affected: no.

Illumina Laboratory Services, Illumina
Classification: Benign for Bardet-Biedl syndrome 9. Last evaluated: 2018-01-12. Review status: criteria provided, single submitter. Criteria: ICSL Variant Classification Criteria 13 December 2019. Collection method: clinical testing. Allele origin: germline.
Comment: This variant was observed in the ICSL laboratory as part of a predisposition screen in an ostensibly healthy population. It had not been previously curated by ICSL or reported in the Human Gene Mutation Database (HGMD: prior to June 1st, 2018), and was therefore a candidate for classification through an automated scoring system. Utilizing variant allele frequency, disease prevalence and penetrance estimates, and inheritance mode, an automated score was calculated to assess if this variant is too frequent to cause the disease. Based on the score and internal cut-off values, a variant classified as benign is not then subjected to further curation. The score for this variant resulted in a classification of benign for this disease.

PreventionGenetics, part of Exact Sciences
Classification: Benign. Review status: criteria provided, single submitter. Criteria: ACMG Guidelines, 2015. Collection method: clinical testing. Allele origin: germline.

Clinical Genetics DNA and cytogenetics Diagnostics Lab, Erasmus MC, Erasmus Medical Center
Classification: Likely benign. Review status: no assertion criteria provided. Collection method: clinical testing. Allele origin: germline. Affected: yes. Study: VKGL Data-share Consensus. Not counted in ClinVar's aggregate classification.

Clinical Genetics, Academic Medical Center
Classification: Benign. Review status: no assertion criteria provided. Collection method: clinical testing. Allele origin: germline. Affected: yes. Study: VKGL Data-share Consensus. Not counted in ClinVar's aggregate classification.